The following is an entry in ClinVar:

ClinVar aggregate classification (germline): Uncertain significance. Review status: criteria provided, multiple submitters, no conflicts (2 of 4 stars). 2 submissions from 2 submitters: Uncertain significance (2). Last evaluated 2022-08-03.

Conditions:
Inborn genetic diseases. Identifiers: MedGen C0950123, MeSH D030342.

gnomAD v4.1: 32 of 1,606,992 alleles (0.002%); highest among the groups gnomAD compares: Admixed American, 0.0051%; no homozygotes.

Submissions (2):

Ambry Genetics
Classification: Uncertain significance for Inborn genetic diseases. Last evaluated: 2022-08-03. Review status: criteria provided, single submitter. Criteria: Ambry Variant Classification Scheme 2023. Collection method: clinical testing. Allele origin: germline.

Labcorp Genetics (formerly Invitae), Labcorp
Classification: Uncertain significance. Last evaluated: 2022-04-25. Review status: criteria provided, single submitter. Criteria: Invitae Variant Classification Sherloc (09022015). Collection method: clinical testing. Allele origin: germline.
Comment: This sequence change replaces glutamic acid, which is acidic and polar, with glutamine, which is neutral and polar, at codon 622 of the UNC45A protein (p.Glu622Gln). This variant is present in population databases (no rsID available, gnomAD 0.006%). This variant has not been reported in the literature in individuals affected with UNC45A-related conditions. Algorithms developed to predict the effect of missense changes on protein structure and function are either unavailable or do not agree on the potential impact of this missense change (SIFT: "Not Available"; PolyPhen-2: "Probably Damaging"; Align-GVGD: "Not Available"). In summary, the available evidence is currently insufficient to determine the role of this variant in disease. Therefore, it has been classified as a Variant of Uncertain Significance.

NM_018671.5(UNC45A):c.1864G>C (p.Glu622Gln)

Gene: UNC45A (unc-45 myosin chaperone A; plus strand). Cytogenetic location: 15q26.1.
Variant type: single nucleotide variant.
Coding change: c.1864G>C on transcript NM_018671.5 (MANE Select); coding-DNA position 1864, G replaced by C.
Protein change: p.Glu622Gln; replaces glutamic acid 622 with glutamine.
Molecular consequence: missense variant.
Genome position (GRCh38, 1-based): chr15:90,948,780, G>C. VCF-style: chr15-90948780-G-C. GRCh37 (hg19) VCF-style: chr15-91492010-G-C.
Other names: c.1819G>C, p.Glu607Gln (NM_001039675.2, NM_001323621.2); c.1864G>C, p.Glu622Gln (NM_001323619.1); c.1429G>C, p.Glu477Gln (NM_001323620.2); short protein forms E607Q, E477Q, E622Q.
Identifiers: ClinVar variation 1935993 (VCV001935993.3), dbSNP rs199835757, ClinGen allele CA393859414.